The following is an entry in ClinVar:

ClinVar aggregate classification (germline): Uncertain significance (1 of 4 stars; one submission).

gnomAD v4.1: 1 of 1,552,116 alleles (0.000064%); highest among the groups gnomAD compares: Non-Finnish European, 0.000087%; no homozygotes.

Submission:

Dasa
Classification: Uncertain significance. Last evaluated: 2025-07-09. Review status: criteria provided, single submitter. Criteria: DASA Assertion Criteria. Collection method: clinical testing. Allele origin: germline.
Comment: NM_001303052.2(MYT1L):c.160G>A (p.Gly54Ser) is a missense variant that results in the substitution of glycine with serine. This variant is rare in population databases. The currently available literature and clinical evidence are not sufficient to establish a definitive association between this variant and the reported condition. Therefore, this variant is classified as a variant of uncertain significance.

NM_001303052.2(MYT1L):c.160G>A (p.Gly54Ser)

Gene: MYT1L (myelin transcription factor 1 like; minus strand). Cytogenetic location: 2p25.3.
Variant type: single nucleotide variant.
Coding change: c.160G>A on transcript NM_001303052.2 (MANE Select); coding-DNA position 160, G replaced by A.
Protein change: p.Gly54Ser; replaces glycine 54 with serine.
Molecular consequence: missense variant.
Genome position (GRCh38, 1-based): chr2:1,943,327, C>T on the plus strand (G>A on the coding strand, the complement: MYT1L is on the minus strand). VCF-style: chr2-1943327-C-T. GRCh37 (hg19) VCF-style: chr2-1947099-C-T.
Other names: c.160G>A, p.Gly54Ser (NM_001329849.3, NM_001329851.3, NM_001329852.3 and 6 more transcripts); short protein forms G54S.
Identifiers: ClinVar variation 4886614 (VCV004886614.2).